The following is an entry in ClinVar:

NM_004752.4(GCM2):c.308C>T (p.Pro103Leu)

Gene: GCM2 (GCM transcription factor 2; minus strand). Cytogenetic location: 6p24.2.
Variant type: single nucleotide variant.
Coding change: c.308C>T on transcript NM_004752.4 (MANE Select); coding-DNA position 308, C replaced by T.
Protein change: p.Pro103Leu; replaces proline 103 with leucine.
Molecular consequence: missense variant.
Genome position (GRCh38, 1-based): chr6:10,877,175, G>A on the plus strand (C>T on the coding strand, the complement: GCM2 is on the minus strand). VCF-style: chr6-10877175-G-A. GRCh37 (hg19) VCF-style: chr6-10877408-G-A.
Other names: short protein forms P103L.
Identifiers: ClinVar variation 4998059 (VCV004998059.1).

ClinVar aggregate classification (germline): Uncertain significance (1 of 4 stars; one submission).

Conditions:
GCM2-related disorder. Also called: GCM2-related condition.

gnomAD v4.1: 5 of 1,613,386 alleles (0.00031%); highest among the groups gnomAD compares: East Asian, 0.0022%; no homozygotes.

Submission:

PreventionGenetics, part of Exact Sciences
Classification: Uncertain significance for GCM2-related condition. Last evaluated: 2024-12-03. Review status: criteria provided, single submitter. Criteria: ACMG Guidelines, 2015. Collection method: clinical testing. Allele origin: germline.
Comment: The GCM2 c.308C>T variant is predicted to result in the amino acid substitution p.Pro103Leu. To our knowledge, this variant has not been reported in the literature. This variant is reported in 0.0054% of alleles in individuals of East Asian descent in gnomAD. At this time, the clinical significance of this variant is uncertain due to the absence of conclusive functional and genetic evidence.